The following is an entry in ClinVar:

NM_004963.4(GUCY2C):c.2971-9T>G

Genes: GUCY2C (guanylate cyclase 2C; minus strand), PLBD1-AS1 (PLBD1 antisense RNA 1; plus strand). Cytogenetic location: 12p12.3.
Variant type: single nucleotide variant.
Coding change: c.2971-9T>G on transcript NM_004963.4 (MANE Select); 9 bases into the intron before coding-DNA position 2971, T replaced by G.
Molecular consequence: intron variant.
Genome position (GRCh38, 1-based): chr12:14,614,952, A>C on the plus strand (T>G on the coding strand, the complement: GUCY2C is on the minus strand). VCF-style: chr12-14614952-A-C. GRCh37 (hg19) VCF-style: chr12-14767886-A-C.
Identifiers: ClinVar variation 2793002 (VCV002793002.3), dbSNP rs1946726250, ClinGen allele CA2575086712.

ClinVar aggregate classification (germline): Uncertain significance (1 of 4 stars; one submission).

Allele frequency attached by ClinVar (database versions not stated): gnomAD exomes 0.00001.
gnomAD v4.1: 15 of 1,534,396 alleles (0.00098%); highest among the groups gnomAD compares: Non-Finnish European, 0.0012%; no homozygotes.

Submission:

Labcorp Genetics (formerly Invitae), Labcorp
Classification: Uncertain significance. Last evaluated: 2022-11-27. Review status: criteria provided, single submitter. Criteria: Invitae Variant Classification Sherloc (09022015). Collection method: clinical testing. Allele origin: germline.
Comment: This sequence change falls in intron 25 of the GUCY2C gene. It does not directly change the encoded amino acid sequence of the GUCY2C protein. This variant is not present in population databases (gnomAD no frequency). This variant has not been reported in the literature in individuals affected with GUCY2C-related conditions. Algorithms developed to predict the effect of sequence changes on RNA splicing suggest that this variant may disrupt the consensus splice site. In summary, the available evidence is currently insufficient to determine the role of this variant in disease. Therefore, it has been classified as a Variant of Uncertain Significance.